The following is an entry in ClinVar:

NM_001367721.1(CASK):c.2156-7G>A

Gene: CASK (calcium/calmodulin dependent serine protein kinase; minus strand). Cytogenetic location: Xp11.4.
Variant type: single nucleotide variant.
Coding change: c.2156-7G>A on transcript NM_001367721.1 (MANE Select); 7 bases into the intron before coding-DNA position 2156, G replaced by A.
Molecular consequence: intron variant.
Genome position (GRCh38, 1-based): chrX:41,534,980, C>T on the plus strand (G>A on the coding strand, the complement: CASK is on the minus strand). VCF-style: chrX-41534980-C-T. GRCh37 (hg19) VCF-style: chrX-41394233-C-T.
Other names: c.2069-7G>A (NM_001126055.3); c.2138-7G>A (NM_001410745.1); c.2087-22G>A (NM_001126054.3); c.2156-22G>A (NM_003688.4).
Identifiers: ClinVar variation 3350628 (VCV003350628.1).
Genomic context (GRCh38, chrX:41,534,980, plus strand): 5'-ATGCTGGCAGTTTTACTACTTCTTCATATGTGACAAGATCTAATTGATCAAACACTAAAA[C>T]GCAAAGATTTAGAAGAAAGGTAAATTTGTAGAATGACTATTTCATGTACATAAATTATAA-3'

ClinVar aggregate classification (germline): Likely benign (0 of 4 stars; one submission).

Conditions:
CASK-related disorder. Also called: CASK-related disorders; CASK-related condition.

gnomAD v4.1: 48 of 1,125,815 alleles (0.0043%); highest among the groups gnomAD compares: Admixed American, 0.02%; no homozygotes.

Submission:

PreventionGenetics, part of Exact Sciences
Classification: Likely benign for CASK-related condition. Last evaluated: 2024-07-30. Review status: no assertion criteria provided. Collection method: clinical testing. Allele origin: germline.
Comment: This variant is classified as likely benign based on ACMG/AMP sequence variant interpretation guidelines (Richards et al. 2015 PMID: 25741868, with internal and published modifications).